The following is an entry in ClinVar:

ClinVar aggregate classification (germline): Uncertain significance (1 of 4 stars; one submission).

Conditions:
Hereditary cancer-predisposing syndrome. Also called: Hereditary neoplastic syndrome; Hereditary Cancer Syndrome; Neoplastic Syndromes, Hereditary; Tumor predisposition. Identifiers: Orphanet 140162, MedGen C0027672, MeSH D009386, MONDO:0015356.

Submission:

Ambry Genetics
Classification: Uncertain significance for Hereditary cancer-predisposing syndrome. Last evaluated: 2023-05-02. Review status: criteria provided, single submitter. Criteria: Ambry Variant Classification Scheme 2023. Collection method: clinical testing. Allele origin: germline.
Comment: The p.D989E variant (also known as c.2967T>A), located in coding exon 15 of the APC gene, results from a T to A substitution at nucleotide position 2967. The aspartic acid at codon 989 is replaced by glutamic acid, an amino acid with highly similar properties. This amino acid position is highly conserved in available vertebrate species. In addition, in silico predictors for this gene do not accurately predict pathogenicity. Since supporting evidence is limited at this time, the clinical significance of this alteration remains unclear.

NM_000038.6(APC):c.2967T>A (p.Asp989Glu)

Gene: APC (APC regulator of Wnt signaling pathway; plus strand). Cytogenetic location: 5q22.2.
Variant type: single nucleotide variant.
Coding change: c.2967T>A on transcript NM_000038.6 (MANE Select); coding-DNA position 2967, T replaced by A.
Protein change: p.Asp989Glu; replaces aspartic acid 989 with glutamic acid.
Molecular consequence: missense variant. On other transcripts: non-coding transcript variant (2).
Genome position (GRCh38, 1-based): chr5:112,838,561, T>A. VCF-style: chr5-112838561-T-A. GRCh37 (hg19) VCF-style: chr5-112174258-T-A.
Other names: c.2967T>A, p.Asp989Glu (NM_001127510.3, NM_001354895.2, NM_001407450.1); c.2913T>A, p.Asp971Glu (NM_001127511.3); c.3021T>A, p.Asp1007Glu (NM_001354896.2, NM_001407447.1, NM_001407448.1 and 1 more transcripts); c.2997T>A, p.Asp999Glu (NM_001354897.2); c.2892T>A, p.Asp964Glu (NM_001354898.2); c.2883T>A, p.Asp961Glu (NM_001354899.2); c.2844T>A, p.Asp948Glu (NM_001354900.2); c.2790T>A, p.Asp930Glu (NM_001354901.2, NM_001407453.1); and 11 more; short protein forms D706E, D863E, D888E, D906E, D948E, D964E, D971E, D1017E.
Identifiers: ClinVar variation 2566965 (VCV002566965.2), dbSNP rs2149881287, ClinGen allele CA16027814.